The following is an entry in ClinVar:

NM_177438.3(DICER1):c.3300dup (p.Ser1101fs)

Gene: DICER1 (dicer 1, ribonuclease III; minus strand). Cytogenetic location: 14q32.13.
Variant type: Duplication.
Coding change: c.3300dup on transcript NM_177438.3 (MANE Select); coding-DNA position 3300, one base duplicated (A; older notation c.3300dupA).
Protein change: p.Ser1101fs; shifts the reading frame from serine 1101.
Molecular consequence: frameshift variant.
Genome position (GRCh38, 1-based): chr14:95,104,096, T duplicated on the plus strand (A on the coding strand, the reverse complement: DICER1 is on the minus strand); the first of 6 consecutive T bases (chr14:95,104,096-95,104,101); duplicating any one gives the same sequence. VCF-style (leftmost placement, unchanged base first): chr14-95104095-A-AT. GRCh37 (hg19) VCF-style: chr14-95570432-A-AT.
Other names: c.3300dupA (NM_177438.2); c.3300dup, p.Ser1101fs (NM_001195573.1, NM_001271282.3, NM_001291628.2 and 1 more transcripts); short protein forms S1101fs.
Identifiers: ClinVar variation 858569 (VCV000858569.16), dbSNP rs886037700, ClinGen allele CA616115550.

ClinVar aggregate classification (germline): Pathogenic. Review status: criteria provided, multiple submitters, no conflicts (2 of 4 stars). 5 submissions from 5 submitters: Pathogenic (5). Last evaluated 2026-06-12.

Conditions:
Global developmental delay - lung cysts - overgrowth - Wilms tumor syndrome. Also called: GLOW Syndrome; GLOBAL DEVELOPMENTAL DELAY, LUNG CYSTS, OVERGROWTH, AND WILMS TUMOR. Identifiers: Orphanet 404476, MedGen C4748924, MONDO:0018445, OMIM 618272.
DICER1-related tumor predisposition. Also called: DICER1-related pleuropulmonary blastoma cancer predisposition syndrome; DICER1 syndrome. Identifiers: Orphanet 284343, MedGen C3839822, MONDO:0100216.
Hereditary cancer-predisposing syndrome. Also called: Neoplastic Syndromes, Hereditary; Hereditary neoplastic syndrome; Tumor predisposition; Hereditary Cancer Syndrome. Identifiers: Orphanet 140162, MedGen C0027672, MeSH D009386, MONDO:0015356.

Submissions (5):

GeneDx
Classification: Pathogenic. Last evaluated: 2026-06-12. Review status: criteria provided, single submitter. Criteria: GeneDx Variant Classification Process June 2021. Collection method: clinical testing. Allele origin: germline.
Comment: Frameshift variant predicted to result in protein truncation or nonsense mediated decay in a gene for which loss of function is a known mechanism of disease; Not observed at significant frequency in large population cohorts (gnomAD); This variant is associated with the following publications: (PMID: 28654427, 33922805, Oliveira2018[article], 38415346, 39070603, 41255082)

Labcorp Genetics (formerly Invitae), Labcorp
Classification: Pathogenic for DICER1-related tumor predisposition. Last evaluated: 2025-11-05. Review status: criteria provided, single submitter. Criteria: Invitae Variant Classification Sherloc (09022015). Collection method: clinical testing. Allele origin: germline.
Comment: This sequence change creates a premature translational stop signal (p.Ser1101Ilefs*3) in the DICER1 gene. It is expected to result in an absent or disrupted protein product. Loss-of-function variants in DICER1 are known to be pathogenic (PMID: 19556464, 21266384). This variant is present in population databases (no rsID available, gnomAD 0.0009%). This variant has not been reported in the literature in individuals affected with DICER1-related conditions. ClinVar contains an entry for this variant (Variation ID: 858569). For these reasons, this variant has been classified as Pathogenic.

Baylor Genetics
Classification: Pathogenic for Global developmental delay - lung cysts - overgrowth - Wilms tumor syndrome. Last evaluated: 2024-02-21. Review status: criteria provided, single submitter. Criteria: ACMG Guidelines, 2015. Collection method: clinical testing. Allele origin: unknown.

Ambry Genetics
Classification: Pathogenic for Hereditary cancer-predisposing syndrome. Last evaluated: 2023-11-21. Review status: criteria provided, single submitter. Criteria: Ambry Variant Classification Scheme 2023. Collection method: clinical testing. Allele origin: germline.
Comment: The c.3300dupA pathogenic mutation, located in coding exon 20 of the DICER1 gene, results from a duplication of A at nucleotide position 3300, causing a translational frameshift with a predicted alternate stop codon (p.S1101Ifs*3). This alteration is expected to result in loss of function by premature protein truncation or nonsense-mediated mRNA decay. As such, this alteration is interpreted as a disease-causing mutation.

Foulkes Cancer Genetics LDI, Lady Davis Institute for Medical Research
Classification: Pathogenic for Pleuropulmonary blastoma. Last evaluated: 2019-07-01. Review status: criteria provided, single submitter. Criteria: ACMG Guidelines, 2015. Collection method: curation. Allele origin: germline. Affected: yes. Observed: 2 variant alleles.
Comment: ACMG criteria met: PVS1, PM2, PP4

Literature cited by the submitters: PubMed 19556464 (cited by Labcorp Genetics (formerly Invitae), Labcorp); PubMed 21266384 (cited by Labcorp Genetics (formerly Invitae), Labcorp); PubMed 28654427 (cited by Foulkes Cancer Genetics LDI, Lady Davis Institute for Medical Research).